The following is an entry in ClinVar:

NM_000051.4(ATM):c.695T>A (p.Ile232Asn)

Gene: ATM (ATM serine/threonine kinase; plus strand). Cytogenetic location: 11q22.3.
Variant type: single nucleotide variant.
Coding change: c.695T>A on transcript NM_000051.4 (MANE Select); coding-DNA position 695, T replaced by A.
Protein change: p.Ile232Asn; replaces isoleucine 232 with asparagine.
Molecular consequence: missense variant.
Genome position (GRCh38, 1-based): chr11:108,244,820, T>A. VCF-style: chr11-108244820-T-A. GRCh37 (hg19) VCF-style: chr11-108115547-T-A.
Other names: c.695T>A, p.Ile232Asn (NM_001351834.2); short protein forms I232N.
Identifiers: ClinVar variation 2693972 (VCV002693972.3), dbSNP rs786203502, ClinGen allele CA382529095.
Genomic context (GRCh38, chr11:108,244,820, plus strand): 5'-CCAGTTGAGCTTGTTTGTTTCTTCACAGACAAGAAAAGAGCTCTTCAGGTCTAAATCATA[T>A]CTTAGCAGCTCTTACTATCTTCCTCAAGACTTTGGCTGTCAACTTTCGAATTCGAGTGTG-3'
Protein context (NP_000042.3, residues 222-242): QEKSSSGLNH[Ile232Asn]LAALTIFLKT

ClinVar aggregate classification (germline): Uncertain significance (1 of 4 stars; one submission).

Conditions:
Ataxia-telangiectasia syndrome (AT). Also called: Cerebello-oculocutaneous telangiectasia; Immunodeficiency with ataxia telangiectasia; Ataxia-telangiectasia, complementation group E; LOUIS-BAR SYNDROME; Ataxia telangiectasia (A-T); AT, COMPLEMENTATION GROUP C. Identifiers: Orphanet 100, MedGen C0004135, MONDO:0008840, OMIM 208900.

Submission:

Labcorp Genetics (formerly Invitae), Labcorp
Classification: Uncertain significance for Ataxia-telangiectasia syndrome. Last evaluated: 2023-11-08. Review status: criteria provided, single submitter. Criteria: Invitae Variant Classification Sherloc (09022015). Collection method: clinical testing. Allele origin: germline.
Comment: This sequence change replaces isoleucine, which is neutral and non-polar, with asparagine, which is neutral and polar, at codon 232 of the ATM protein (p.Ile232Asn). This variant is not present in population databases (gnomAD no frequency). This variant has not been reported in the literature in individuals affected with ATM-related conditions. An algorithm developed to predict the effect of missense changes on protein structure and function (PolyPhen-2) suggests that this variant is likely to be disruptive. In summary, the available evidence is currently insufficient to determine the role of this variant in disease. Therefore, it has been classified as a Variant of Uncertain Significance.